The following is an entry in ClinVar:

ClinVar aggregate classification (germline): Uncertain significance (1 of 4 stars; one submission).

gnomAD v4.1: 1 of 1,613,046 alleles (0.000062%); highest among the groups gnomAD compares: Non-Finnish European, 0.000085%; no homozygotes.

Submission:

Labcorp Genetics (formerly Invitae), Labcorp
Classification: Uncertain significance. Last evaluated: 2025-11-08. Review status: criteria provided, single submitter. Criteria: Invitae Variant Classification Sherloc (09022015). Collection method: clinical testing. Allele origin: germline.
Comment: This sequence change replaces glutamic acid, which is acidic and polar, with lysine, which is basic and polar, at codon 284 of the TNFAIP3 protein (p.Glu284Lys). This variant is not present in population databases (gnomAD no frequency). This variant has not been reported in the literature in individuals affected with TNFAIP3-related conditions. Invitae Evidence Modeling of protein sequence and biophysical properties (such as structural, functional, and spatial information, amino acid conservation, physicochemical variation, residue mobility, and thermodynamic stability) indicates that this missense variant is not expected to disrupt TNFAIP3 protein function with a negative predictive value of 80%. In summary, the available evidence is currently insufficient to determine the role of this variant in disease. Therefore, it has been classified as a Variant of Uncertain Significance.

NM_001270508.2(TNFAIP3):c.850G>A (p.Glu284Lys)

Gene: TNFAIP3 (TNF alpha induced protein 3; plus strand). Cytogenetic location: 6q23.3.
Variant type: single nucleotide variant.
Coding change: c.850G>A on transcript NM_001270508.2 (MANE Select); coding-DNA position 850, G replaced by A.
Protein change: p.Glu284Lys; replaces glutamic acid 284 with lysine.
Molecular consequence: missense variant.
Genome position (GRCh38, 1-based): chr6:137,877,120, G>A. VCF-style: chr6-137877120-G-A. GRCh37 (hg19) VCF-style: chr6-138198257-G-A.
Other names: c.850G>A, p.Glu284Lys (NM_001270507.2, NM_006290.4); short protein forms E284K.
Identifiers: ClinVar variation 4741578 (VCV004741578.1).
Genomic context (GRCh38, chr6:137,877,120, plus strand): 5'-TTATTTTTTTCCTTAGAAATCCGAGCTGTTCCACTTGTTAACAGAGACCGGGGAAGATTT[G>A]AAGACTTAAAAGTTCACTTTTTGACAGATCCTGAAAATGAGATGAAGGAGAAGCTCTTAA-3'
Protein context (NP_001257437.1, residues 274-294): PLVNRDRGRF[Glu284Lys]DLKVHFLTDP